The following is an entry in ClinVar:

ClinVar aggregate classification (germline): Uncertain significance (1 of 4 stars; one submission).

Submission:

Labcorp Genetics (formerly Invitae), Labcorp
Classification: Uncertain significance. Last evaluated: 2021-12-25. Review status: criteria provided, single submitter. Criteria: Invitae Variant Classification Sherloc (09022015). Collection method: clinical testing. Allele origin: germline.
Comment: This variant has not been reported in the literature in individuals affected with MSH3-related conditions. This sequence change replaces arginine, which is basic and polar, with threonine, which is neutral and polar, at codon 938 of the MSH3 protein (p.Arg938Thr). This variant also falls at the last nucleotide of exon 20, which is part of the consensus splice site for this exon. This variant is not present in population databases (gnomAD no frequency). Algorithms developed to predict the effect of missense changes on protein structure and function are either unavailable or do not agree on the potential impact of this missense change (SIFT: "Deleterious"; PolyPhen-2: "Probably Damaging"; Align-GVGD: "Class C0"). Variants that disrupt the consensus splice site are a relatively common cause of aberrant splicing (PMID: 17576681, 9536098). In summary, the available evidence is currently insufficient to determine the role of this variant in disease. Therefore, it has been classified as a Variant of Uncertain Significance.

Literature cited by the submitters: PubMed 17576681; PubMed 9536098.

NM_002439.5(MSH3):c.2813G>C (p.Arg938Thr)

Gene: MSH3 (mutS homolog 3; plus strand). Cytogenetic location: 5q14.1.
Variant type: single nucleotide variant.
Coding change: c.2813G>C on transcript NM_002439.5 (MANE Select); coding-DNA position 2813, G replaced by C.
Protein change: p.Arg938Thr; replaces arginine 938 with threonine.
Molecular consequence: missense variant.
Genome position (GRCh38, 1-based): chr5:80,813,741, G>C. VCF-style: chr5-80813741-G-C. GRCh37 (hg19) VCF-style: chr5-80109560-G-C.
Other names: short protein forms R938T.
Identifiers: ClinVar variation 2059521 (VCV002059521.4), dbSNP rs1580066615, ClinGen allele CA360274125.